The following is an entry in ClinVar:

ClinVar aggregate classification (germline): Uncertain significance. Review status: criteria provided, multiple submitters, no conflicts (2 of 4 stars). 2 submissions from 2 submitters: Uncertain significance (2). Last evaluated 2026-01-29.

Conditions:
ABCB4-related disorder. Also called: ABCB4-related disorders; ABCB4-related condition.
Inborn genetic diseases. Identifiers: MedGen C0950123, MeSH D030342.

Allele frequency attached by ClinVar (database versions not stated): ExAC 0.00002; gnomAD exomes 0.00002; gnomAD 0.00008; TOPMed 0.00009.
gnomAD v4.1: 39 of 1,612,368 alleles (0.0024%); highest among the groups gnomAD compares: African/African-American, 0.032%; no homozygotes.

Submissions (2):

PreventionGenetics, part of Exact Sciences
Classification: Uncertain significance for ABCB4-related condition. Last evaluated: 2026-01-29. Review status: criteria provided, single submitter. Criteria: ACMG Guidelines, 2015. Collection method: clinical testing. Allele origin: germline.
Comment: The ABCB4 c.1225G>A variant is predicted to result in the amino acid substitution p.Val409Ile. To our knowledge, this variant has not been reported in the literature. This variant is reported in 0.024% of alleles in individuals of African descent in gnomAD. At this time, the clinical significance of this variant is uncertain due to the absence of conclusive functional and genetic evidence.

Ambry Genetics
Classification: Uncertain significance for Inborn genetic diseases. Last evaluated: 2023-12-15. Review status: criteria provided, single submitter. Criteria: Ambry Variant Classification Scheme 2023. Collection method: clinical testing. Allele origin: germline.

NM_000443.4(ABCB4):c.1225G>A (p.Val409Ile)

Gene: ABCB4 (ATP binding cassette subfamily B member 4; minus strand). Cytogenetic location: 7q21.12.
Variant type: single nucleotide variant.
Coding change: c.1225G>A on transcript NM_000443.4 (MANE Select); coding-DNA position 1225, G replaced by A.
Protein change: p.Val409Ile; replaces valine 409 with isoleucine.
Molecular consequence: missense variant.
Genome position (GRCh38, 1-based): chr7:87,443,668, C>T on the plus strand (G>A on the coding strand, the complement: ABCB4 is on the minus strand). VCF-style: chr7-87443668-C-T. GRCh37 (hg19) VCF-style: chr7-87072984-C-T.
Other names: c.1225G>A, p.Val409Ile (NM_018849.3, NM_018850.3); short protein forms V409I.
Identifiers: ClinVar variation 3120851 (VCV003120851.2), dbSNP rs775135138, ClinGen allele CA4327358.